The following is an entry in ClinVar:

NM_030665.4(RAI1):c.4386G>T (p.Pro1462=)

Gene: RAI1 (retinoic acid induced 1; plus strand). Cytogenetic location: 17p11.2.
Variant type: single nucleotide variant.
Coding change: c.4386G>T on transcript NM_030665.4 (MANE Select); coding-DNA position 4386, G replaced by T.
Protein change: p.Pro1462=; no amino-acid change (proline 1462 retained).
Molecular consequence: synonymous variant.
Genome position (GRCh38, 1-based): chr17:17,797,334, G>T. VCF-style: chr17-17797334-G-T. GRCh37 (hg19) VCF-style: chr17-17700648-G-T.
Other names: c.4386G>T (NM_030665.3).
Identifiers: ClinVar variation 1611173 (VCV001611173.10), dbSNP rs374921049, ClinGen allele CA8418949.

ClinVar aggregate classification (germline): Likely benign. Review status: criteria provided, single submitter (1 of 4 stars). 2 submissions from 2 submitters: Likely benign (1). 1 of the submissions does not count toward it. Last evaluated 2025-09-09.

Conditions:
RAI1-related disorder. Also called: RAI1-related condition.

Allele frequency attached by ClinVar (database versions not stated): ESP Exome Variant Server 0.00008.
gnomAD v4.1: 36 of 1,612,138 alleles (0.0022%); highest among the groups gnomAD compares: Admixed American, 0.048%; no homozygotes.

Submissions (2):

Labcorp Genetics (formerly Invitae), Labcorp
Classification: Likely benign. Last evaluated: 2025-09-09. Review status: criteria provided, single submitter. Criteria: Invitae Variant Classification Sherloc (09022015). Collection method: clinical testing. Allele origin: germline.

PreventionGenetics, part of Exact Sciences
Classification: Likely benign for RAI1-related condition. Last evaluated: 2021-01-09. Review status: no assertion criteria provided. Collection method: clinical testing. Allele origin: germline. Not counted in ClinVar's aggregate classification.
Comment: This variant is classified as likely benign based on ACMG/AMP sequence variant interpretation guidelines (Richards et al. 2015 PMID: 25741868, with internal and published modifications).